The following is an entry in ClinVar:

NM_001122769.3(LCA5):c.838C>T (p.Arg280Ter)

Gene: LCA5 (lebercilin LCA5; minus strand). Cytogenetic location: 6q14.1.
Variant type: single nucleotide variant.
Coding change: c.838C>T on transcript NM_001122769.3 (MANE Select); coding-DNA position 838, C replaced by T.
Protein change: p.Arg280Ter; replaces arginine 280 with a stop codon.
Molecular consequence: nonsense.
Genome position (GRCh38, 1-based): chr6:79,493,633, G>A on the plus strand (C>T on the coding strand, the complement: LCA5 is on the minus strand). VCF-style: chr6-79493633-G-A. GRCh37 (hg19) VCF-style: chr6-80203350-G-A.
Other names: c.838C>T, p.Arg280Ter (NM_181714.4); short protein forms R280*.
Identifiers: ClinVar variation 438153 (VCV000438153.19), dbSNP rs866395428, ClinGen allele CA141864468.

ClinVar aggregate classification (germline): Pathogenic. Review status: criteria provided, multiple submitters, no conflicts (2 of 4 stars). 8 submissions from 7 submitters: Pathogenic (6). 2 of the submissions do not count toward it. Last evaluated 2025-12-16.

Conditions:
LCA5-related disorder. Also called: LCA5-related condition.
Inborn genetic diseases. Identifiers: MedGen C0950123, MeSH D030342.
Retinal dystrophy. Also called: Inherited retinal dystrophy. Identifiers: Orphanet 71862, MedGen C0854723, MeSH D058499, MONDO:0019118, HP:0000556.
Leber congenital amaurosis (LCA). Also called: Leber's amaurosis. Identifiers: Orphanet 65, MedGen C0339527, MeSH D057130, MONDO:0018998.
Leber congenital amaurosis 5 (LCA5). Also called: Amaurosis congenita of Leber, type 5. Identifiers: Orphanet 65, MedGen C1858301, MONDO:0011473, OMIM 604537.

Allele frequency attached by ClinVar (database versions not stated): gnomAD exomes below 0.00001.

Submissions (8):

Natera, Inc.
Classification: Pathogenic for Leber congenital amaurosis type 5. Last evaluated: 2025-12-16. Review status: criteria provided, single submitter. Criteria: Natera Variant Classification Schema (03/2026). Collection method: clinical testing. Allele origin: germline.
Comment: The c.838C>T variant in LCA5 is a nonsense variant predicted to introduce a stop codon at amino acid 280. This variant is expected to result in nonsense mediated decay, truncation, or a dysfunctional protein product. This variant is rare in the general population with a frequency below the threshold expected for the associated phenotype(s). This variant has been observed in one or more individuals affected with the associated recessive disease, as either homozygous or compound heterozygous with a second variant (PMID: 25412400). Given the available evidence, this variant is classified as Pathogenic.

Labcorp Genetics (formerly Invitae), Labcorp
Classification: Pathogenic. Last evaluated: 2024-11-05. Review status: criteria provided, single submitter. Criteria: Invitae Variant Classification Sherloc (09022015). Collection method: clinical testing. Allele origin: germline.
Comment: This sequence change creates a premature translational stop signal (p.Arg280*) in the LCA5 gene. It is expected to result in an absent or disrupted protein product. Loss-of-function variants in LCA5 are known to be pathogenic (PMID: 17546029, 23946133). This variant is not present in population databases (gnomAD no frequency). This premature translational stop signal has been observed in individual(s) with LCA5-related conditions (PMID: 8571951, 28041643). ClinVar contains an entry for this variant (Variation ID: 438153). For these reasons, this variant has been classified as Pathogenic.

Fulgent Genetics
Classification: Pathogenic for Leber congenital amaurosis 5. Last evaluated: 2024-06-01. Review status: criteria provided, single submitter. Criteria: ACMG Guidelines, 2015. Collection method: clinical testing. Allele origin: germline.

GeneDx
Classification: Pathogenic. Last evaluated: 2024-05-13. Review status: criteria provided, single submitter. Criteria: GeneDx Variant Classification Process June 2021. Collection method: clinical testing. Allele origin: germline. Affected: yes.
Comment: Not observed at significant frequency in large population cohorts (gnomAD); Nonsense variant predicted to result in protein truncation or nonsense mediated decay in a gene for which loss of function is a known mechanism of disease; This variant is associated with the following publications: (PMID: 25412400, 8571951, 32581362, 28041643, 29068479, 32865313)

Blueprint Genetics
Classification: Pathogenic for LCA5-related disorders. Last evaluated: 2019-01-23. Review status: criteria provided, single submitter. Criteria: ACMG Guidelines, 2015. Collection method: clinical testing. Allele origin: germline. Affected: yes. Observed: 2 variant alleles.

Ambry Genetics
Classification: Pathogenic for Inborn genetic diseases. Last evaluated: 2016-03-18. Review status: criteria provided, single submitter. Criteria: Ambry exome assertion method (8-5-2015). Collection method: clinical testing. Allele origin: germline. Affected: yes. Observed: 1 variant allele.

NIHR Bioresource Rare Diseases, University of Cambridge
Classification: Pathogenic for Retinal dystrophy. Last evaluated: 2015-01-01. Review status: no assertion criteria provided. Collection method: research. Allele origin: unknown. Affected: yes. Observed: 1 variant allele. Not counted in ClinVar's aggregate classification.

NIHR Bioresource Rare Diseases, University of Cambridge
Classification: Pathogenic for Leber congenital amaurosis. Last evaluated: 2015-01-01. Review status: no assertion criteria provided. Collection method: research. Allele origin: unknown. Affected: yes. Observed: 1 variant allele. Not counted in ClinVar's aggregate classification.

Literature cited by the submitters: PubMed 25412400 (cited by Natera, Inc. and NIHR Bioresource Rare Diseases, University of Cambridge); PubMed 17546029 (cited by Labcorp Genetics (formerly Invitae), Labcorp); PubMed 23946133 (cited by Labcorp Genetics (formerly Invitae), Labcorp); PubMed 8571951 (cited by Labcorp Genetics (formerly Invitae), Labcorp); PubMed 28041643 (cited by Labcorp Genetics (formerly Invitae), Labcorp and NIHR Bioresource Rare Diseases, University of Cambridge).